The following is an entry in ClinVar:

NM_001961.4(EEF2):c.946A>G (p.Ile316Val)

Gene: EEF2 (eukaryotic translation elongation factor 2; minus strand). Cytogenetic location: 19p13.3.
Variant type: single nucleotide variant.
Coding change: c.946A>G on transcript NM_001961.4 (MANE Select); coding-DNA position 946, A replaced by G.
Protein change: p.Ile316Val; replaces isoleucine 316 with valine.
Molecular consequence: missense variant.
Genome position (GRCh38, 1-based): chr19:3,981,404, T>C on the plus strand (A>G on the coding strand, the complement: EEF2 is on the minus strand). VCF-style: chr19-3981404-T-C. GRCh37 (hg19) VCF-style: chr19-3981402-T-C.
Other names: short protein forms I316V.
Identifiers: ClinVar variation 3629403 (VCV003629403.2).

ClinVar aggregate classification (germline): Uncertain significance (1 of 4 stars; one submission).

gnomAD v4.1: 3 of 1,614,240 alleles (0.00019%); highest among the groups gnomAD compares: Non-Finnish European, 0.00025%; no homozygotes.

Submission:

Labcorp Genetics (formerly Invitae), Labcorp
Classification: Uncertain significance. Last evaluated: 2024-04-20. Review status: criteria provided, single submitter. Criteria: Invitae Variant Classification Sherloc (09022015). Collection method: clinical testing. Allele origin: germline.
Comment: This sequence change replaces isoleucine, which is neutral and non-polar, with valine, which is neutral and non-polar, at codon 316 of the EEF2 protein (p.Ile316Val). This variant is present in population databases (rs757096142, gnomAD 0.0009%). This variant has not been reported in the literature in individuals affected with EEF2-related conditions. Advanced modeling of protein sequence and biophysical properties (such as structural, functional, and spatial information, amino acid conservation, physicochemical variation, residue mobility, and thermodynamic stability) performed at Invitae indicates that this missense variant is not expected to disrupt EEF2 protein function with a negative predictive value of 80%. In summary, the available evidence is currently insufficient to determine the role of this variant in disease. Therefore, it has been classified as a Variant of Uncertain Significance.